The following is an entry in ClinVar:

ClinVar aggregate classification (germline): Uncertain significance (1 of 4 stars; one submission).

Conditions:
von Willebrand disease type 3 (VWD3). Also called: Type 3 Von Willebrand's disease; Type 3 VWD; Von Willebrand disease, severe form; V WD3; VON WILLEBRAND DISEASE, TYPE III. Identifiers: Orphanet 166096, MedGen C1264041, MONDO:0010191, OMIM 277480.

Submission:

Neuberg Centre For Genomic Medicine, NCGM
Classification: Uncertain significance for von Willebrand disease type 3. Review status: criteria provided, single submitter. Criteria: ACMG Guidelines, 2015. Collection method: clinical testing. Allele origin: germline. Inheritance: Autosomal recessive inheritance. Affected: yes.
Comment: The splice site c.2442+5G>A variant has not been reported previously as a pathogenic variant nor as a benign variant, to our knowledge. The c.2442+5G>A variant is novel (not in any individuals) in gnomAD Exomes and 1000 Genomes. This variant has not been reported to the ClinVar database. Loss of function variants have been previously reported to be disease causing. This variant shows conflicting interpretations by splice tools. For these reasons, this variant has been classified as Uncertain Significance (VUS).

NM_000552.5(VWF):c.2442+5G>A

Gene: VWF (von Willebrand factor; minus strand). Cytogenetic location: 12p13.31.
Variant type: single nucleotide variant.
Coding change: c.2442+5G>A on transcript NM_000552.5 (MANE Select); 5 bases into the intron after coding-DNA position 2442, G replaced by A.
Molecular consequence: intron variant.
Genome position (GRCh38, 1-based): chr12:6,044,286, C>T on the plus strand (G>A on the coding strand, the complement: VWF is on the minus strand). VCF-style: chr12-6044286-C-T. GRCh37 (hg19) VCF-style: chr12-6153452-C-T.
Identifiers: ClinVar variation 2584907 (VCV002584907.1), dbSNP rs2497585821, ClinGen allele CA2582342485.